The following is an entry in ClinVar:

ClinVar aggregate classification (germline): Likely benign (1 of 4 stars; one submission).

Submission:

GeneDx
Classification: Likely benign. Last evaluated: 2016-10-06. Review status: criteria provided, single submitter. Criteria: GeneDx Variant Classification (06012015). Collection method: clinical testing. Allele origin: germline. Affected: yes.
Comment: This variant is considered likely benign or benign based on one or more of the following criteria: it is a conservative change, it occurs at a poorly conserved position in the protein, it is predicted to be benign by multiple in silico algorithms, and/or has population frequency not consistent with disease.

NM_001378454.1(ALMS1):c.12362+16_12362+29delinsTGAGTTTGTGTG

Gene: ALMS1 (ALMS1 centrosome and basal body associated protein; plus strand). Cytogenetic location: 2p13.1.
Variant type: Indel.
Coding change: c.12362+16_12362+29delinsTGAGTTTGTGTG on transcript NM_001378454.1 (MANE Select); bases 16 to 29 of the intron after coding-DNA position 12362, CAAGAGTACGTATA replaced by TGAGTTTGTGTG.
Molecular consequence: intron variant.
Genome position (GRCh38, 1-based): chr2:73,603,320-73,603,333, CAAGAGTACGTATA replaced by TGAGTTTGTGTG. VCF-style: chr2-73603320-CAAGAGTACGTATA-TGAGTTTGTGTG. GRCh37 (hg19) VCF-style: chr2-73830447-CAAGAGTACGTATA-TGAGTTTGTGTG.
Other names: c.12362+16_12362+29delinsTGAGTTTGTGTG (NM_015120.4); c.12365+16_12365+29delCAAGAGTACGTATAinsTGAGTTTGTGTG (NM_015120.4).
Identifiers: ClinVar variation 422491 (VCV000422491.1), dbSNP rs1064795814, ClinGen allele CA16617760.